The following is an entry in ClinVar:

ClinVar aggregate classification (germline): Uncertain significance (1 of 4 stars; one submission).

Allele frequency attached by ClinVar (database versions not stated): TOPMed below 0.00001; gnomAD 0.00001.
gnomAD v4.1: 7 of 1,609,086 alleles (0.00044%); highest among the groups gnomAD compares: South Asian, 0.0011%; no homozygotes.

Submission:

Labcorp Genetics (formerly Invitae), Labcorp
Classification: Uncertain significance. Last evaluated: 2023-11-20. Review status: criteria provided, single submitter. Criteria: Invitae Variant Classification Sherloc (09022015). Collection method: clinical testing. Allele origin: germline.
Comment: This sequence change replaces serine, which is neutral and polar, with leucine, which is neutral and non-polar, at codon 533 of the DLL4 protein (p.Ser533Leu). This variant is not present in population databases (gnomAD no frequency). This variant has not been reported in the literature in individuals affected with DLL4-related conditions. Advanced modeling of protein sequence and biophysical properties (such as structural, functional, and spatial information, amino acid conservation, physicochemical variation, residue mobility, and thermodynamic stability) performed at Invitae indicates that this missense variant is not expected to disrupt DLL4 protein function with a negative predictive value of 80%. In summary, the available evidence is currently insufficient to determine the role of this variant in disease. Therefore, it has been classified as a Variant of Uncertain Significance.

NM_019074.4(DLL4):c.1598C>T (p.Ser533Leu)

Gene: DLL4 (delta like canonical Notch ligand 4; plus strand). Cytogenetic location: 15q15.1.
Variant type: single nucleotide variant.
Coding change: c.1598C>T on transcript NM_019074.4 (MANE Select); coding-DNA position 1598, C replaced by T.
Protein change: p.Ser533Leu; replaces serine 533 with leucine.
Molecular consequence: missense variant.
Genome position (GRCh38, 1-based): chr15:40,936,585, C>T. VCF-style: chr15-40936585-C-T. GRCh37 (hg19) VCF-style: chr15-41228783-C-T.
Other names: short protein forms S533L.
Identifiers: ClinVar variation 3000517 (VCV003000517.3), dbSNP rs1566879645, ClinGen allele CA391781524.
Genomic context (GRCh38, chr15:40,936,585, plus strand): 5'-TGGGCAGCCGCTGCGAGTTCCCCGTGGGCTTGCCGCCCAGCTTCCCCTGGGTGGCCGTCT[C>T]GCTGGGTGTGGGGCTGGCAGTGCTGCTGGTACTGCTGGGCATGGTGGCAGTGGCTGTGCG-3'
Protein context (NP_061947.1, residues 523-543): LPPSFPWVAV[Ser533Leu]LGVGLAVLLV